The following is an entry in ClinVar:

NM_002661.5(PLCG2):c.3148C>T (p.Pro1050Ser)

Gene: PLCG2 (phospholipase C gamma 2; plus strand). Cytogenetic location: 16q23.3.
Variant type: single nucleotide variant.
Coding change: c.3148C>T on transcript NM_002661.5 (MANE Select); coding-DNA position 3148, C replaced by T.
Protein change: p.Pro1050Ser; replaces proline 1050 with serine.
Molecular consequence: missense variant.
Genome position (GRCh38, 1-based): chr16:81,937,853, C>T. VCF-style: chr16-81937853-C-T. GRCh37 (hg19) VCF-style: chr16-81971458-C-T.
Other names: short protein forms P1050S.
Identifiers: ClinVar variation 1434188 (VCV001434188.8), dbSNP rs2143730985, ClinGen allele CA396906824.

ClinVar aggregate classification (germline): Uncertain significance (1 of 4 stars; one submission).

Conditions:
Familial cold autoinflammatory syndrome 3 (FCAS3). Also called: FAMILIAL ATYPICAL COLD URTICARIA; ANTIBODY DEFICIENCY AND IMMUNE DYSREGULATION, PLCG2-ASSOCIATED. Identifiers: Orphanet 300359, MedGen C3280914, MONDO:0013766, OMIM 614468.

Submission:

Labcorp Genetics (formerly Invitae), Labcorp
Classification: Uncertain significance for Familial cold autoinflammatory syndrome 3. Last evaluated: 2020-11-04. Review status: criteria provided, single submitter. Criteria: Invitae Variant Classification Sherloc (09022015). Collection method: clinical testing. Allele origin: germline.
Comment: In summary, the available evidence is currently insufficient to determine the role of this variant in disease. Therefore, it has been classified as a Variant of Uncertain Significance. Algorithms developed to predict the effect of missense changes on protein structure and function (SIFT, PolyPhen-2, Align-GVGD) all suggest that this variant is likely to be disruptive, but these predictions have not been confirmed by published functional studies and their clinical significance is uncertain. This variant has not been reported in the literature in individuals with PLCG2-related conditions. This variant is not present in population databases (ExAC no frequency). This sequence change replaces proline with serine at codon 1050 of the PLCG2 protein (p.Pro1050Ser). The proline residue is highly conserved and there is a moderate physicochemical difference between proline and serine.